The following is an entry in ClinVar:

ClinVar aggregate classification (germline): Pathogenic (1 of 4 stars; one submission).

Conditions:
KBG syndrome (KBGS). Also called: ANKRD11-Related KBG Syndrome. Identifiers: Orphanet 2332, MedGen C0220687, MONDO:0007846, OMIM 148050.

Submission:

Women's Health and Genetics/Laboratory Corporation of America, LabCorp
Classification: Pathogenic for KBG syndrome. Last evaluated: 2025-05-12. Review status: criteria provided, single submitter. Criteria: LabCorp Variant Classification Summary - May 2015. Collection method: clinical testing. Allele origin: germline.
Comment: Variant summary: ANKRD11 c.3222_3226delAGAAA (p.Arg1076SerfsX24) results in a premature termination codon, predicted to cause a truncation of the encoded protein or absence of the protein due to nonsense mediated decay, which are commonly known mechanisms for disease. The variant was absent in 251368 control chromosomes. To our knowledge, no occurrence of c.3222_3226delAGAAA in individuals affected with KBG Syndrome and no experimental evidence demonstrating its impact on protein function have been reported. No submitters have cited clinical-significance assessments for this variant to ClinVar. Based on the evidence outlined above, the variant was classified as pathogenic.

NM_013275.6(ANKRD11):c.3222_3226del (p.Arg1076fs)

Gene: ANKRD11 (ankyrin repeat domain 11; minus strand). Cytogenetic location: 16q24.3.
Variant type: Deletion.
Coding change: c.3222_3226del on transcript NM_013275.6 (MANE Select); coding-DNA positions 3222 to 3226, 5 bases deleted (AGAAA; older notation c.3222_3226delAGAAA).
Protein change: p.Arg1076fs; shifts the reading frame from arginine 1076.
Molecular consequence: frameshift variant.
Genome position (GRCh38, 1-based): chr16:89,283,316-89,283,320, TTTCT deleted on the plus strand (AGAAA on the coding strand, the reverse complement: ANKRD11 is on the minus strand); deleting any 5 consecutive bases within chr16:89,283,316-89,283,322 gives the same sequence; the c. name uses the placement nearest the transcript's 3' end. VCF-style (leftmost placement, unchanged base first): chr16-89283315-CTTTCT-C. GRCh37 (hg19) VCF-style: chr16-89349723-CTTTCT-C.
Other names: c.3222_3226del, p.Arg1076fs (NM_001256182.2, NM_001256183.2); c.3222_3226delAGAAA (NM_013275.6); short protein forms R1076fs.
Identifiers: ClinVar variation 3902330 (VCV003902330.1).